The following is an entry in ClinVar:

ClinVar aggregate classification (germline): Conflicting classifications of pathogenicity. Review status: criteria provided, conflicting classifications (1 of 4 stars). 2 submissions from 2 submitters: Uncertain significance (1); Likely benign (1). Last evaluated 2026-01-11.

Conditions:
Inborn genetic diseases. Identifiers: MedGen C0950123, MeSH D030342.
Neuropathy, hereditary sensory, type 1F. Also called: Hereditary sensory neuropathy type IF; HSN IF. Identifiers: Orphanet 36386, MedGen C3810194, MONDO:0014286, OMIM 615632.

Allele frequency attached by ClinVar (database versions not stated): gnomAD 0.00004; ExAC 0.00007; gnomAD exomes 0.00002 and 0.00006; TOPMed 0.00003.
gnomAD v4.1: 39 of 1,614,030 alleles (0.0024%); highest among the groups gnomAD compares: Middle Eastern, 0.049%; no homozygotes.

Submissions (2):

Labcorp Genetics (formerly Invitae), Labcorp
Classification: Uncertain significance for Neuropathy, hereditary sensory, type 1F. Last evaluated: 2026-01-11. Review status: criteria provided, single submitter. Criteria: Invitae Variant Classification Sherloc (09022015). Collection method: clinical testing. Allele origin: germline.
Comment: This sequence change replaces leucine, which is neutral and non-polar, with proline, which is neutral and non-polar, at codon 484 of the ATL3 protein (p.Leu484Pro). This variant is present in population databases (rs773136140, gnomAD 0.01%). This variant has not been reported in the literature in individuals affected with ATL3-related conditions. ClinVar contains an entry for this variant (Variation ID: 541678). Invitae Evidence Modeling of protein sequence and biophysical properties (such as structural, functional, and spatial information, amino acid conservation, physicochemical variation, residue mobility, and thermodynamic stability) indicates that this missense variant is expected to disrupt ATL3 protein function with a positive predictive value of 80%. In summary, the available evidence is currently insufficient to determine the role of this variant in disease. Therefore, it has been classified as a Variant of Uncertain Significance.

Ambry Genetics
Classification: Likely benign for Inborn genetic diseases. Last evaluated: 2019-09-17. Review status: criteria provided, single submitter. Criteria: Ambry Variant Classification Scheme 2023. Collection method: clinical testing. Allele origin: germline.

NM_015459.5(ATL3):c.1451T>C (p.Leu484Pro)

Genes: ATL3 (atlastin GTPase 3; minus strand), LNCROPM (lncRNA regulator of PLAAT3 mediated phospholipid metabolism; plus strand). Cytogenetic location: 11q13.1.
Variant type: single nucleotide variant.
Coding change: c.1451T>C on transcript NM_015459.5 (MANE Select); coding-DNA position 1451, T replaced by C.
Protein change: p.Leu484Pro; replaces leucine 484 with proline.
Molecular consequence: missense variant.
Genome position (GRCh38, 1-based): chr11:63,631,128, A>G on the plus strand (T>C on the coding strand, the complement: ATL3 is on the minus strand). VCF-style: chr11-63631128-A-G. GRCh37 (hg19) VCF-style: chr11-63398600-A-G.
Other names: c.1397T>C, p.Leu466Pro (NM_001290048.2); short protein forms L466P, L484P.
Identifiers: ClinVar variation 541678 (VCV000541678.12), dbSNP rs773136140, ClinGen allele CA6063514.
Genomic context (GRCh38, chr11:63,631,128, plus strand): 5'-TCAATAGCTCCGCCCAGCTCACGATATTGACCAGAATACCTGATGTAGCCCCAGGTGAGG[A>G]GTGCTATTAACAGTAGTCCAACCATACAGTTGAACAACTGGGCTACAACCTCAAGACCTA-3'
Protein context (NP_056274.3, residues 474-494): NCMVGLLLIA[Leu484Pro]LTWGYIRYSG